The following is an entry in ClinVar:

NM_001163435.3(TBCK):c.1334del (p.Phe445fs)

Gene: TBCK (TBC1 domain containing kinase; minus strand). Cytogenetic location: 4q24.
Variant type: Deletion.
Coding change: c.1334del on transcript NM_001163435.3 (MANE Select); coding-DNA position 1334, one base deleted (T; older notation c.1334delT).
Protein change: p.Phe445fs; shifts the reading frame from phenylalanine 445.
Molecular consequence: frameshift variant.
Genome position (GRCh38, 1-based): chr4:106,236,406, A deleted on the plus strand (T on the coding strand, the reverse complement: TBCK is on the minus strand); the first of 2 consecutive A bases (chr4:106,236,406-106,236,407); deleting either gives the same sequence. VCF-style (leftmost placement, unchanged base first): chr4-106236405-GA-G. GRCh37 (hg19) VCF-style: chr4-107157562-GA-G.
Other names: c.1334del, p.Phe445fs (NM_001163436.4); c.1217del, p.Phe406fs (NM_001163437.3); c.818del, p.Phe273fs (NM_001290768.2); c.1145del, p.Phe382fs (NM_033115.5); short protein forms F406fs, F445fs, F382fs, F273fs.
Identifiers: ClinVar variation 2909689 (VCV002909689.3), dbSNP rs1560880946, ClinGen allele CA553624844.

ClinVar aggregate classification (germline): Pathogenic (1 of 4 stars; one submission).

Submission:

Labcorp Genetics (formerly Invitae), Labcorp
Classification: Pathogenic. Last evaluated: 2024-01-24. Review status: criteria provided, single submitter. Criteria: Invitae Variant Classification Sherloc (09022015). Collection method: clinical testing. Allele origin: germline.
Comment: This sequence change creates a premature translational stop signal (p.Phe445Serfs*5) in the TBCK gene. It is expected to result in an absent or disrupted protein product. Loss-of-function variants in TBCK are known to be pathogenic (PMID: 27040692, 30103036). This variant is present in population databases (no rsID available, gnomAD 0.01%). This variant has not been reported in the literature in individuals affected with TBCK-related conditions. For these reasons, this variant has been classified as Pathogenic.

Literature cited by the submitters: PubMed 27040692; PubMed 30103036.